The following is an entry in ClinVar:

NM_017612.5(ZCCHC8):c.1534G>C (p.Glu512Gln)

Genes: ZCCHC8 (zinc finger CCHC-type containing 8; minus strand), LOC130009053 (ATAC-STARR-seq lymphoblastoid active region 7226; plus strand). Cytogenetic location: 12q24.31.
Variant type: single nucleotide variant.
Coding change: c.1534G>C on transcript NM_017612.5 (MANE Select); coding-DNA position 1534, G replaced by C.
Protein change: p.Glu512Gln; replaces glutamic acid 512 with glutamine.
Molecular consequence: missense variant.
Genome position (GRCh38, 1-based): chr12:122,474,087, C>G on the plus strand (G>C on the coding strand, the complement: ZCCHC8 is on the minus strand). VCF-style: chr12-122474087-C-G. GRCh37 (hg19) VCF-style: chr12-122958634-C-G.
Other names: c.1303G>C, p.Glu435Gln (NM_001350935.2); c.1237G>C, p.Glu413Gln (NM_001350936.2); c.820G>C, p.Glu274Gln (NM_001350937.2, NM_001350938.2); short protein forms E274Q, E413Q, E435Q, E512Q.
Identifiers: ClinVar variation 3610844 (VCV003610844.2).

ClinVar aggregate classification (germline): Uncertain significance (1 of 4 stars; one submission).

gnomAD v4.1: 14 of 1,517,654 alleles (0.00092%); highest among the groups gnomAD compares: South Asian, 0.018%; no homozygotes.

Submission:

Labcorp Genetics (formerly Invitae), Labcorp
Classification: Uncertain significance. Last evaluated: 2024-05-28. Review status: criteria provided, single submitter. Criteria: Invitae Variant Classification Sherloc (09022015). Collection method: clinical testing. Allele origin: germline.
Comment: This sequence change replaces glutamic acid, which is acidic and polar, with glutamine, which is neutral and polar, at codon 512 of the ZCCHC8 protein (p.Glu512Gln). This variant is present in population databases (rs772612687, gnomAD 0.02%). This variant has not been reported in the literature in individuals affected with ZCCHC8-related conditions. Advanced modeling of protein sequence and biophysical properties (such as structural, functional, and spatial information, amino acid conservation, physicochemical variation, residue mobility, and thermodynamic stability) performed at Invitae indicates that this missense variant is expected to disrupt ZCCHC8 protein function with a positive predictive value of 80%. In summary, the available evidence is currently insufficient to determine the role of this variant in disease. Therefore, it has been classified as a Variant of Uncertain Significance.